The following is an entry in ClinVar:

NM_181458.4(PAX3):c.179T>A (p.Val60Glu)

Gene: PAX3 (paired box 3; minus strand). Cytogenetic location: 2q36.1.
Variant type: single nucleotide variant.
Coding change: c.179T>A on transcript NM_181458.4 (MANE Select); coding-DNA position 179, T replaced by A.
Protein change: p.Val60Glu; replaces valine 60 with glutamic acid.
Molecular consequence: missense variant.
Genome position (GRCh38, 1-based): chr2:222,297,120, A>T on the plus strand (T>A on the coding strand, the complement: PAX3 is on the minus strand). VCF-style: chr2-222297120-A-T. GRCh37 (hg19) VCF-style: chr2-223161839-A-T.
Other names: c.179T>A, p.Val60Glu (NM_000438.6, NM_001127366.3, NM_013942.5 and 4 more transcripts); c.179T>A (NM_181457.3); short protein forms V60E.
Identifiers: ClinVar variation 2697412 (VCV002697412.5), dbSNP rs2106203984, ClinGen allele CA351113653.

ClinVar aggregate classification (germline): Uncertain significance. Review status: criteria provided, multiple submitters, no conflicts (2 of 4 stars). 2 submissions from 2 submitters: Uncertain significance (2). Last evaluated 2025-02-26.

Submissions (2):

GeneDx
Classification: Uncertain significance. Last evaluated: 2025-02-26. Review status: criteria provided, single submitter. Criteria: GeneDx Variant Classification Process June 2021. Collection method: clinical testing. Allele origin: germline.
Comment: Not observed at significant frequency in large population cohorts (gnomAD); In silico analysis supports that this missense variant has a deleterious effect on protein structure/function; Has not been previously published as pathogenic or benign to our knowledge

Labcorp Genetics (formerly Invitae), Labcorp
Classification: Uncertain significance. Last evaluated: 2024-01-31. Review status: criteria provided, single submitter. Criteria: Invitae Variant Classification Sherloc (09022015). Collection method: clinical testing. Allele origin: germline.
Comment: This sequence change replaces valine, which is neutral and non-polar, with glutamic acid, which is acidic and polar, at codon 60 of the PAX3 protein (p.Val60Glu). This variant is not present in population databases (gnomAD no frequency). This missense change has been observed in individual(s) with clinical features of Waardenburg syndrome (Invitae). Advanced modeling of protein sequence and biophysical properties (such as structural, functional, and spatial information, amino acid conservation, physicochemical variation, residue mobility, and thermodynamic stability) performed at Invitae indicates that this missense variant is expected to disrupt PAX3 protein function with a positive predictive value of 95%. This variant disrupts the p.Val60 amino acid residue in PAX3. Other variant(s) that disrupt this residue have been observed in individuals with PAX3-related conditions (PMID: 8533800, 32086958), which suggests that this may be a clinically significant amino acid residue. In summary, the available evidence is currently insufficient to determine the role of this variant in disease. Therefore, it has been classified as a Variant of Uncertain Significance.

Literature cited by the submitters: PubMed 8533800 (cited by Labcorp Genetics (formerly Invitae), Labcorp); PubMed 32086958 (cited by Labcorp Genetics (formerly Invitae), Labcorp).